The following is an entry in ClinVar:

ClinVar aggregate classification (germline): Uncertain significance (1 of 4 stars; one submission).

Conditions:
Aortic aneurysm, familial thoracic 7 (AAT7). Also called: AORTIC DISSECTION, FAMILIAL, WITH OR WITHOUT AORTIC ANEURYSM. Identifiers: MedGen C3151077, MONDO:0013418, OMIM 613780.

Allele frequency attached by ClinVar (database versions not stated): gnomAD exomes below 0.00001; TOPMed below 0.00001.
gnomAD v4.1: 6 of 1,614,192 alleles (0.00037%); highest among the groups gnomAD compares: African/African-American, 0.0027%; no homozygotes.

Submission:

Labcorp Genetics (formerly Invitae), Labcorp
Classification: Uncertain significance for Aortic aneurysm, familial thoracic 7. Last evaluated: 2022-06-22. Review status: criteria provided, single submitter. Criteria: Invitae Variant Classification Sherloc (09022015). Collection method: clinical testing. Allele origin: germline.
Comment: In summary, the available evidence is currently insufficient to determine the role of this variant in disease. Therefore, it has been classified as a Variant of Uncertain Significance. Advanced modeling of protein sequence and biophysical properties (such as structural, functional, and spatial information, amino acid conservation, physicochemical variation, residue mobility, and thermodynamic stability) performed at Invitae indicates that this missense variant is not expected to disrupt MYLK protein function. This variant has not been reported in the literature in individuals affected with MYLK-related conditions. This variant is not present in population databases (gnomAD no frequency). This sequence change replaces asparagine, which is neutral and polar, with serine, which is neutral and polar, at codon 1390 of the MYLK protein (p.Asn1390Ser).

NM_053025.4(MYLK):c.4169A>G (p.Asn1390Ser)

Gene: MYLK (myosin light chain kinase; minus strand). Cytogenetic location: 3q21.1.
Variant type: single nucleotide variant.
Coding change: c.4169A>G on transcript NM_053025.4 (MANE Select); coding-DNA position 4169, A replaced by G.
Protein change: p.Asn1390Ser; replaces asparagine 1390 with serine.
Molecular consequence: missense variant.
Genome position (GRCh38, 1-based): chr3:123,657,245, T>C on the plus strand (A>G on the coding strand, the complement: MYLK is on the minus strand). VCF-style: chr3-123657245-T-C. GRCh37 (hg19) VCF-style: chr3-123376092-T-C.
Other names: c.3641A>G, p.Asn1214Ser (NM_001321309.2); c.3962A>G, p.Asn1321Ser (NM_053026.4, NM_053028.4); c.4169A>G, p.Asn1390Ser (NM_053027.4); short protein forms N1214S, N1390S, N1321S.
Identifiers: ClinVar variation 2161054 (VCV002161054.4), dbSNP rs1470925802, ClinGen allele CA354227983.
Genomic context (GRCh38, chr3:123,657,245, plus strand): 5'-TACACGTTGATTGCACGTACACGGAACTTATATTCGTGGTCAGGCAGCAGGTCCTGGACG[T>C]TGAAAGAGGTGCTGCGGCATGTGGCTAGTTCCTTCCACGTCTTGTTGGCTGAGTCCCAGA-3'
Protein context (NP_444253.3, residues 1380-1400): ELATCRSTSF[Asn1390Ser]VQDLLPDHEY